The following is an entry in ClinVar:

NM_020964.3(EPG5):c.2164A>G (p.Lys722Glu)

Gene: EPG5 (ectopic P-granules 5 autophagy tethering factor; minus strand). Cytogenetic location: 18q21.1.
Variant type: single nucleotide variant.
Coding change: c.2164A>G on transcript NM_020964.3 (MANE Select); coding-DNA position 2164, A replaced by G.
Protein change: p.Lys722Glu; replaces lysine 722 with glutamic acid.
Molecular consequence: missense variant.
Genome position (GRCh38, 1-based): chr18:45,934,902, T>C on the plus strand (A>G on the coding strand, the complement: EPG5 is on the minus strand). VCF-style: chr18-45934902-T-C. GRCh37 (hg19) VCF-style: chr18-43514868-T-C.
Other names: short protein forms K722E.
Identifiers: ClinVar variation 1522418 (VCV001522418.9), dbSNP rs2145845962, ClinGen allele CA402347712.

ClinVar aggregate classification (germline): Uncertain significance (1 of 4 stars; one submission).

Conditions:
Vici syndrome (VICIS). Identifiers: Orphanet 1493, MedGen C1855772, MONDO:0009452, OMIM 242840.

Submission:

Labcorp Genetics (formerly Invitae), Labcorp
Classification: Uncertain significance for Vici syndrome. Last evaluated: 2021-04-02. Review status: criteria provided, single submitter. Criteria: Invitae Variant Classification Sherloc (09022015). Collection method: clinical testing. Allele origin: germline.
Comment: In summary, the available evidence is currently insufficient to determine the role of this variant in disease. Therefore, it has been classified as a Variant of Uncertain Significance. Algorithms developed to predict the effect of missense changes on protein structure and function are either unavailable or do not agree on the potential impact of this missense change (SIFT: "Tolerated"; PolyPhen-2: "Probably Damaging"; Align-GVGD: "Class C0"). This variant has not been reported in the literature in individuals with EPG5-related conditions. This variant is not present in population databases (ExAC no frequency). This sequence change replaces lysine with glutamic acid at codon 722 of the EPG5 protein (p.Lys722Glu). The lysine residue is moderately conserved and there is a small physicochemical difference between lysine and glutamic acid.